The following is an entry in ClinVar:

ClinVar aggregate classification (germline): Uncertain significance (1 of 4 stars; one submission).

Allele frequency attached by ClinVar (database versions not stated): ExAC 0.00001.
gnomAD v4.1: 2 of 1,607,280 alleles (0.00012%); highest among the groups gnomAD compares: Admixed American, 0.0017%; no homozygotes.

Submission:

Labcorp Genetics (formerly Invitae), Labcorp
Classification: Uncertain significance. Last evaluated: 2024-10-15. Review status: criteria provided, single submitter. Criteria: Invitae Variant Classification Sherloc (09022015). Collection method: clinical testing. Allele origin: germline.
Comment: This sequence change replaces tyrosine, which is neutral and polar, with cysteine, which is neutral and slightly polar, at codon 867 of the SI protein (p.Tyr867Cys). This variant is present in population databases (rs760055757, gnomAD 0.007%). This variant has not been reported in the literature in individuals affected with SI-related conditions. ClinVar contains an entry for this variant (Variation ID: 1368891). Invitae Evidence Modeling of protein sequence and biophysical properties (such as structural, functional, and spatial information, amino acid conservation, physicochemical variation, residue mobility, and thermodynamic stability) indicates that this missense variant is expected to disrupt SI protein function with a positive predictive value of 95%. In summary, the available evidence is currently insufficient to determine the role of this variant in disease. Therefore, it has been classified as a Variant of Uncertain Significance.

NM_001041.4(SI):c.2600A>G (p.Tyr867Cys)

Gene: SI (sucrase-isomaltase; minus strand). Cytogenetic location: 3q26.1.
Variant type: single nucleotide variant.
Coding change: c.2600A>G on transcript NM_001041.4 (MANE Select); coding-DNA position 2600, A replaced by G.
Protein change: p.Tyr867Cys; replaces tyrosine 867 with cysteine.
Molecular consequence: missense variant.
Genome position (GRCh38, 1-based): chr3:165,032,658, T>C on the plus strand (A>G on the coding strand, the complement: SI is on the minus strand). VCF-style: chr3-165032658-T-C. GRCh37 (hg19) VCF-style: chr3-164750446-T-C.
Other names: short protein forms Y867C.
Identifiers: ClinVar variation 1368891 (VCV001368891.8), dbSNP rs760055757, ClinGen allele CA2690587.